The following is an entry in ClinVar:

NC_000006.11:g.(?_10796211)_(10804144_?)del

Gene: MAK (male germ cell associated kinase; minus strand). Cytogenetic location: 6p24.2.
Variant type: Deletion.
Identifiers: ClinVar variation 3246154 (VCV003246154.1).

ClinVar aggregate classification (germline): Pathogenic (1 of 4 stars; one submission).

Submission:

Labcorp Genetics (formerly Invitae), Labcorp
Classification: Pathogenic. Last evaluated: 2023-06-15. Review status: criteria provided, single submitter. Criteria: Invitae Variant Classification Sherloc (09022015). Collection method: clinical testing. Allele origin: unknown.
Comment: For these reasons, this variant has been classified as Pathogenic. This variant has not been reported in the literature in individuals affected with MAK-related conditions. This variant is a gross deletion of the genomic region encompassing exon(s) 6-8 of the MAK gene. This deletion is out-of-frame, and is expected to create a premature termination codon and result in an absent or disrupted protein product. Loss-of-function variants in MAK are known to be pathogenic (PMID: 21148103, 21825139, 24938718, 29781741).

Literature cited by the submitters: PubMed 21148103; PubMed 21825139; PubMed 24938718; PubMed 29781741.